The following is an entry in ClinVar:

ClinVar aggregate classification (germline): Uncertain significance. Review status: criteria provided, multiple submitters, no conflicts (2 of 4 stars). 4 submissions from 4 submitters: Uncertain significance (4). Last evaluated 2024-09-13.

Conditions:
Muscular dystrophy-dystroglycanopathy (congenital with brain and eye anomalies), type a, 12 (MDDGA12). Also called: WALKER-WARBURG SYNDROME OR MUSCLE-EYE-BRAIN DISEASE, POMK-RELATED. Identifiers: Orphanet 899, MedGen C3808964, MONDO:0014101, OMIM 615249.
Limb-girdle muscular dystrophy due to POMK deficiency. Also called: MUSCULAR DYSTROPHY-DYSTROGLYCANOPATHY, LIMB-GIRDLE, POMK-RELATED; Muscular dystrophy-dystroglycanopathy (limb-girdle), type c, 12. Identifiers: Orphanet 445110, MedGen C4015184, MONDO:0014489, OMIM 616094.

Allele frequency attached by ClinVar (database versions not stated): gnomAD exomes below 0.00001; TOPMed below 0.00001.
gnomAD v4.1: 2 of 1,614,196 alleles (0.00012%); highest among the groups gnomAD compares: African/African-American, 0.0013%; no homozygotes.

Submissions (4):

Blueprint Genetics
Classification: Uncertain significance. Last evaluated: 2024-09-13. Review status: criteria provided, single submitter. Criteria: ACMG Guidelines, 2015. Collection method: clinical testing. Allele origin: germline.

Revvity Omics, Revvity
Classification: Uncertain significance. Last evaluated: 2024-06-27. Review status: criteria provided, single submitter. Criteria: ACMG Guidelines, 2015. Collection method: clinical testing. Allele origin: germline.

Labcorp Genetics (formerly Invitae), Labcorp
Classification: Uncertain significance for Muscular dystrophy-dystroglycanopathy (congenital with brain and eye anomalies), type a, 12; Limb-girdle muscular dystrophy due to POMK deficiency. Last evaluated: 2023-11-27. Review status: criteria provided, single submitter. Criteria: Invitae Variant Classification Sherloc (09022015). Collection method: clinical testing. Allele origin: germline.
Comment: This sequence change replaces histidine, which is basic and polar, with glutamine, which is neutral and polar, at codon 152 of the POMK protein (p.His152Gln). This variant is not present in population databases (gnomAD no frequency). This variant has not been reported in the literature in individuals affected with POMK-related conditions. ClinVar contains an entry for this variant (Variation ID: 578247). Advanced modeling of protein sequence and biophysical properties (such as structural, functional, and spatial information, amino acid conservation, physicochemical variation, residue mobility, and thermodynamic stability) performed at Invitae indicates that this missense variant is not expected to disrupt POMK protein function with a negative predictive value of 80%. In summary, the available evidence is currently insufficient to determine the role of this variant in disease. Therefore, it has been classified as a Variant of Uncertain Significance.

AiLife Diagnostics
Classification: Uncertain significance. Last evaluated: 2022-03-03. Review status: criteria provided, single submitter. Criteria: ACMG Guidelines, 2015. Collection method: clinical testing. Allele origin: germline. Affected: yes. Observed: 1 variant allele.

NM_032237.5(POMK):c.456C>A (p.His152Gln)

Gene: POMK (protein O-mannose kinase; plus strand). Cytogenetic location: 8p11.21.
Variant type: single nucleotide variant.
Coding change: c.456C>A on transcript NM_032237.5 (MANE Select); coding-DNA position 456, C replaced by A.
Protein change: p.His152Gln; replaces histidine 152 with glutamine.
Molecular consequence: missense variant.
Genome position (GRCh38, 1-based): chr8:43,122,280, C>A. VCF-style: chr8-43122280-C-A. GRCh37 (hg19) VCF-style: chr8-42977423-C-A.
Other names: c.456C>A, p.His152Gln (NM_001277971.2); short protein forms H152Q.
Identifiers: ClinVar variation 578247 (VCV000578247.6), dbSNP rs1363145685, ClinGen allele CA371121946.